The following is an entry in ClinVar:

ClinVar aggregate classification (germline): Conflicting classifications of pathogenicity. Review status: criteria provided, conflicting classifications (1 of 4 stars). 4 submissions from 4 submitters: Uncertain significance (1); Benign (2); Likely benign (1). Last evaluated 2025-10-23.

Allele frequency attached by ClinVar (database versions not stated): ExAC 0.00027; gnomAD 0.00029 and 0.00030; TOPMed 0.00031; gnomAD exomes 0.00033; ESP Exome Variant Server 0.00038.
gnomAD v4.1: 441 of 1,613,688 alleles (0.027%); highest among the groups gnomAD compares: Admixed American, 0.072%; no homozygotes.

Submissions (4):

Labcorp Genetics (formerly Invitae), Labcorp
Classification: Benign. Last evaluated: 2025-10-23. Review status: criteria provided, single submitter. Criteria: Invitae Variant Classification Sherloc (09022015). Collection method: clinical testing. Allele origin: germline.

Blueprint Genetics
Classification: Likely benign. Last evaluated: 2024-09-20. Review status: criteria provided, single submitter. Criteria: ACMG Guidelines, 2015. Collection method: clinical testing. Allele origin: germline.

GeneDx
Classification: Uncertain significance. Last evaluated: 2022-07-27. Review status: criteria provided, single submitter. Criteria: GeneDx Variant Classification Process June 2021. Collection method: clinical testing. Allele origin: germline. Affected: yes.
Comment: In silico analysis supports that this missense variant has a deleterious effect on protein structure/function; Observed in an infant with congenital heart disease but familial segregation information and specific clinical information were not included (Russell et al., 2019); This variant is associated with the following publications: (PMID: 31453292)

Breakthrough Genomics
Classification: Benign. Review status: criteria provided, single submitter. Criteria: ACMG Guidelines, 2015. Collection method: not provided. Allele origin: germline. Inheritance: Autosomal dominant inheritance. Affected: yes.

NM_005157.6(ABL1):c.589G>A (p.Glu197Lys)

Gene: ABL1 (ABL proto-oncogene 1, non-receptor tyrosine kinase; plus strand). Cytogenetic location: 9q34.12.
Variant type: single nucleotide variant.
Coding change: c.589G>A on transcript NM_005157.6 (MANE Select); coding-DNA position 589, G replaced by A.
Protein change: p.Glu197Lys; replaces glutamic acid 197 with lysine.
Molecular consequence: missense variant.
Genome position (GRCh38, 1-based): chr9:130,862,802, G>A. VCF-style: chr9-130862802-G-A. GRCh37 (hg19) VCF-style: chr9-133738189-G-A.
Other names: c.646G>A, p.Glu216Lys (NM_007313.3); c.646G>A (NM_007313.2); short protein forms E197K, E216K.
Identifiers: ClinVar variation 1555155 (VCV001555155.12), dbSNP rs150134901, ClinGen allele CA5285256.